The following is an entry in ClinVar:

NM_001142864.4(PIEZO1):c.7292G>T (p.Ser2431Ile)

Gene: PIEZO1 (piezo type mechanosensitive ion channel component 1 (Er blood group); minus strand). Cytogenetic location: 16q24.3.
Variant type: single nucleotide variant.
Coding change: c.7292G>T on transcript NM_001142864.4 (MANE Select); coding-DNA position 7292, G replaced by T.
Protein change: p.Ser2431Ile; replaces serine 2431 with isoleucine.
Molecular consequence: missense variant.
Genome position (GRCh38, 1-based): chr16:88,715,957, C>A on the plus strand (G>T on the coding strand, the complement: PIEZO1 is on the minus strand). VCF-style: chr16-88715957-C-A. GRCh37 (hg19) VCF-style: chr16-88782365-C-A.
Other names: c.5834G>T, p.Ser1945Ile (NM_014745.1); short protein forms S1945I, S2431I.
Identifiers: ClinVar variation 1809857 (VCV001809857.1), dbSNP rs2507820672, ClinGen allele CA397071985.

ClinVar aggregate classification (germline): Uncertain significance (1 of 4 stars; one submission).

gnomAD v4.1: 1 of 1,549,838 alleles (0.000065%); highest among the groups gnomAD compares: Non-Finnish European, 0.000087%; no homozygotes.

Submission:

GeneDx
Classification: Uncertain significance. Last evaluated: 2022-06-28. Review status: criteria provided, single submitter. Criteria: GeneDx Variant Classification Process June 2021. Collection method: clinical testing. Allele origin: germline. Affected: yes.
Comment: Not observed at significant frequency in large population cohorts (gnomAD); In silico analysis supports that this missense variant has a deleterious effect on protein structure/function; Has not been previously published as pathogenic or benign to our knowledge